The following is an entry in ClinVar:

ClinVar aggregate classification (germline): Uncertain significance (1 of 4 stars; one submission).

Allele frequency attached by ClinVar (database versions not stated): ExAC 0.00001; gnomAD 0.00001; gnomAD exomes 0.00001; TOPMed 0.00001.
gnomAD v4.1: 22 of 1,614,028 alleles (0.0014%); highest among the groups gnomAD compares: African/African-American, 0.0027%; no homozygotes.

Submission:

Labcorp Genetics (formerly Invitae), Labcorp
Classification: Uncertain significance. Last evaluated: 2023-06-23. Review status: criteria provided, single submitter. Criteria: Invitae Variant Classification Sherloc (09022015). Collection method: clinical testing. Allele origin: germline.
Comment: An algorithm developed to predict the effect of missense changes on protein structure and function (PolyPhen-2) suggests that this variant is likely to be disruptive. This variant has not been reported in the literature in individuals affected with AGAP1-related conditions. This variant is present in population databases (rs776418772, gnomAD 0.0009%). This sequence change replaces asparagine, which is neutral and polar, with serine, which is neutral and polar, at codon 59 of the AGAP1 protein (p.Asn59Ser). In summary, the available evidence is currently insufficient to determine the role of this variant in disease. Therefore, it has been classified as a Variant of Uncertain Significance.

NM_001037131.3(AGAP1):c.176A>G (p.Asn59Ser)

Genes: AGAP1 (ArfGAP with GTPase domain, ankyrin repeat and PH domain 1; plus strand), LOC126806566 (P300/CBP strongly-dependent group 1 enhancer GRCh37_chr2:236617362-236618561; plus strand). Cytogenetic location: 2q37.2.
Variant type: single nucleotide variant.
Coding change: c.176A>G on transcript NM_001037131.3 (MANE Select); coding-DNA position 176, A replaced by G.
Protein change: p.Asn59Ser; replaces asparagine 59 with serine.
Molecular consequence: missense variant.
Genome position (GRCh38, 1-based): chr2:235,709,191, A>G. VCF-style: chr2-235709191-A-G. GRCh37 (hg19) VCF-style: chr2-236617835-A-G.
Other names: c.176A>G, p.Asn59Ser (NM_001244888.2, NM_001412122.1, NM_014914.5); short protein forms N59S.
Identifiers: ClinVar variation 2799008 (VCV002799008.3), dbSNP rs776418772, ClinGen allele CA2184254.